The following is an entry in ClinVar:

ClinVar aggregate classification (germline): Uncertain significance (1 of 4 stars; one submission).

Conditions:
Usher syndrome type 3B. Also called: USHER SYNDROME, TYPE IIIB. Identifiers: MedGen C3281066, MONDO:0013788, OMIM 614504.

Submission:

Labcorp Genetics (formerly Invitae), Labcorp
Classification: Uncertain significance for Usher syndrome type 3B. Last evaluated: 2022-04-13. Review status: criteria provided, single submitter. Criteria: Invitae Variant Classification Sherloc (09022015). Collection method: clinical testing. Allele origin: germline.
Comment: This variant has not been reported in the literature in individuals affected with HARS-related conditions. This variant is not present in population databases (gnomAD no frequency). This sequence change replaces isoleucine, which is neutral and non-polar, with phenylalanine, which is neutral and non-polar, at codon 384 of the HARS protein (p.Ile384Phe). In summary, the available evidence is currently insufficient to determine the role of this variant in disease. Therefore, it has been classified as a Variant of Uncertain Significance. Algorithms developed to predict the effect of missense changes on protein structure and function (SIFT, PolyPhen-2, Align-GVGD) all suggest that this variant is likely to be tolerated.

NM_002109.6(HARS1):c.1150A>T (p.Ile384Phe)

Gene: HARS1 (histidyl-tRNA synthetase 1; minus strand). Cytogenetic location: 5q31.3.
Variant type: single nucleotide variant.
Coding change: c.1150A>T on transcript NM_002109.6 (MANE Select); coding-DNA position 1150, A replaced by T.
Protein change: p.Ile384Phe; replaces isoleucine 384 with phenylalanine.
Molecular consequence: missense variant.
Genome position (GRCh38, 1-based): chr5:140,676,698, T>A on the plus strand (A>T on the coding strand, the complement: HARS1 is on the minus strand). VCF-style: chr5-140676698-T-A. GRCh37 (hg19) VCF-style: chr5-140056283-T-A.
Other names: c.1030A>T, p.Ile344Phe (NM_001258040.3); c.1090A>T, p.Ile364Phe (NM_001258041.3); c.970A>T, p.Ile324Phe (NM_001258042.3); c.928A>T, p.Ile310Phe (NM_001289092.2); c.808A>T, p.Ile270Phe (NM_001289093.2); c.1063A>T, p.Ile355Phe (NM_001289094.2); short protein forms I324F, I364F, I384F, I310F, I344F, I270F, I355F.
Identifiers: ClinVar variation 1970387 (VCV001970387.5), dbSNP rs768703211, ClinGen allele CA361250744.
Genomic context (GRCh38, chr5:140,676,698, plus strand): 5'-ACCTCCTAGGACCTACCTCTAGTCTCTGTTCCACGATGGAGAAAATCCGCTCCACCCCAA[T>A]GCTGAGCCCCACACATGGCACCTTGCGCCCTTTGGGGTCGAACATGCCCACTAGCCCATC-3'
Protein context (NP_002100.2, residues 374-394): GRKVPCVGLS[Ile384Phe]GVERIFSIVE